The following is an entry in ClinVar:

ClinVar aggregate classification (germline): Pathogenic/Likely pathogenic. Review status: criteria provided, multiple submitters, no conflicts (2 of 4 stars). 3 submissions from 3 submitters: Pathogenic (1); Likely pathogenic (1). 1 of the submissions does not count toward it. Last evaluated 2024-03-01.

Conditions:
Renal carnitine transport defect (CDSP). Also called: Primary carnitine deficiency; Systemic primary carnitine deficiency; CARNITINE DEFICIENCY, SYSTEMIC, DUE TO DEFECT IN RENAL REABSORPTION OF CARNITINE; CARNITINE TRANSPORTER, PLASMA-MEMBRANE, DEFICIENCY OF; CARNITINE UPTAKE DEFECT; Carnitine transporter deficiency. Identifiers: Orphanet 158, MedGen C0342788, MONDO:0008919, OMIM 212140.
Decreased circulating carnitine concentration. Also called: Decreased plasma carnitine. Identifiers: MedGen C5848230, HP:0003234.

Allele frequency attached by ClinVar (database versions not stated): TOPMed below 0.00001; gnomAD 0.00001; ESP Exome Variant Server 0.00008.
gnomAD v4.1: 4 of 1,612,706 alleles (0.00025%); highest among the groups gnomAD compares: Non-Finnish European, 0.00025%; no homozygotes.

Submissions (3):

Labcorp Genetics (formerly Invitae), Labcorp
Classification: Pathogenic for Renal carnitine transport defect. Last evaluated: 2024-03-01. Review status: criteria provided, single submitter. Criteria: Invitae Variant Classification Sherloc (09022015). Collection method: clinical testing. Allele origin: germline.
Comment: This sequence change replaces serine, which is neutral and polar, with tyrosine, which is neutral and polar, at codon 38 of the SLC22A5 protein (p.Ser38Tyr). This variant is present in population databases (rs369354736, gnomAD 0.003%). This missense change has been observed in individual(s) with clinical features of primary carnitine deficiency (Invitae). In at least one individual the data is consistent with being in trans (on the opposite chromosome) from a pathogenic variant. ClinVar contains an entry for this variant (Variation ID: 1042938). Advanced modeling of protein sequence and biophysical properties (such as structural, functional, and spatial information, amino acid conservation, physicochemical variation, residue mobility, and thermodynamic stability) has been performed at Invitae for this missense variant, however the output from this modeling did not meet the statistical confidence thresholds required to predict the impact of this variant on SLC22A5 protein function. This variant disrupts the p.Ser38 amino acid residue in SLC22A5. Other variant(s) that disrupt this residue have been determined to be pathogenic (Invitae). This suggests that this residue is clinically significant, and that variants that disrupt this residue are likely to be disease-causing. For these reasons, this variant has been classified as Pathogenic.

Kariminejad - Najmabadi Pathology & Genetics Center
Classification: Likely pathogenic for Renal carnitine transport defect. Review status: criteria provided, single submitter. Criteria: ACMG Guidelines, 2015. Collection method: clinical testing. Allele origin: germline. Affected: no.

Natera, Inc.
Classification: Uncertain significance for Carnitine deficiency. Last evaluated: 2021-02-08. Review status: no assertion criteria provided. Collection method: clinical testing. Allele origin: germline. Not counted in ClinVar's aggregate classification.

NM_003060.4(SLC22A5):c.113C>A (p.Ser38Tyr)

Gene: SLC22A5 (solute carrier family 22 member 5; plus strand). Cytogenetic location: 5q31.1.
Variant type: single nucleotide variant.
Coding change: c.113C>A on transcript NM_003060.4 (MANE Select); coding-DNA position 113, C replaced by A.
Protein change: p.Ser38Tyr; replaces serine 38 with tyrosine.
Molecular consequence: missense variant.
Genome position (GRCh38, 1-based): chr5:132,370,085, C>A. VCF-style: chr5-132370085-C-A. GRCh37 (hg19) VCF-style: chr5-131705777-C-A.
Other names: c.113C>A, p.Ser38Tyr (NM_001308122.2); short protein forms S38Y.
Identifiers: ClinVar variation 1042938 (VCV001042938.14), dbSNP rs369354736, ClinGen allele CA3403786.